The following is an entry in ClinVar:

NM_001330700.2(TOP2B):c.3652G>A (p.Gly1218Ser)

Gene: TOP2B (DNA topoisomerase II beta; minus strand). Cytogenetic location: 3p24.2.
Variant type: single nucleotide variant.
Coding change: c.3652G>A on transcript NM_001330700.2 (MANE Select); coding-DNA position 3652, G replaced by A.
Protein change: p.Gly1218Ser; replaces glycine 1218 with serine.
Molecular consequence: missense variant.
Genome position (GRCh38, 1-based): chr3:25,612,649, C>T on the plus strand (G>A on the coding strand, the complement: TOP2B is on the minus strand). VCF-style: chr3-25612649-C-T. GRCh37 (hg19) VCF-style: chr3-25654140-C-T.
Other names: c.3637G>A, p.Gly1213Ser (NM_001068.3); short protein forms G1213S, G1218S.
Identifiers: ClinVar variation 2573839 (VCV002573839.1), dbSNP rs1702405256, ClinGen allele CA351894920.

ClinVar aggregate classification (germline): Uncertain significance (1 of 4 stars; one submission).

Submission:

GeneDx
Classification: Uncertain significance. Last evaluated: 2023-01-21. Review status: criteria provided, single submitter. Criteria: GeneDx Variant Classification Process June 2021. Collection method: clinical testing. Allele origin: germline. Affected: yes.
Comment: Not observed at significant frequency in large population cohorts (gnomAD); In silico analysis supports that this missense variant does not alter protein structure/function; Has not been previously published as pathogenic or benign to our knowledge